The following is an entry in ClinVar:

NM_001114753.3(ENG):c.1135C>G (p.His379Asp)

Genes: ENG (endoglin; minus strand), LOC102723566 (uncharacterized LOC102723566; plus strand). Cytogenetic location: 9q34.11.
Variant type: single nucleotide variant.
Coding change: c.1135C>G on transcript NM_001114753.3 (MANE Select); coding-DNA position 1135, C replaced by G.
Protein change: p.His379Asp; replaces histidine 379 with aspartic acid.
Molecular consequence: missense variant.
Genome position (GRCh38, 1-based): chr9:127,820,037, G>C on the plus strand (C>G on the coding strand, the complement: ENG is on the minus strand). VCF-style: chr9-127820037-G-C. GRCh37 (hg19) VCF-style: chr9-130582316-G-C.
Other names: c.1135C>G, p.His379Asp (NM_000118.4); c.589C>G, p.His197Asp (NM_001278138.2); c.1135C>G (NM_001114753.1); short protein forms H197D, H379D.
Identifiers: ClinVar variation 1310361 (VCV001310361.9), dbSNP rs771599199, ClinGen allele CA5252852.

ClinVar aggregate classification (germline): Uncertain significance. Review status: criteria provided, multiple submitters, no conflicts (2 of 4 stars). 4 submissions from 4 submitters: Uncertain significance (4). Last evaluated 2025-12-15.

Conditions:
Cardiovascular phenotype. Identifiers: MedGen CN230736.
Hereditary hemorrhagic telangiectasia (HHT). Also called: ORW DISEASE; Osler Weber Rendu syndrome; OSLER-RENDU-WEBER DISEASE; Osler hemorrhagic telangiectasia syndrome. Identifiers: Orphanet 774, MedGen C0039445, MONDO:0019180. Disease mechanism: loss of function.

Allele frequency attached by ClinVar (database versions not stated): ExAC 0.00001; gnomAD 0.00002.
gnomAD v4.1: 3 of 1,613,616 alleles (0.00019%); highest among the groups gnomAD compares: African/African-American, 0.004%; no homozygotes.

Submissions (4):

Ambry Genetics
Classification: Uncertain significance for Cardiovascular phenotype. Last evaluated: 2025-12-15. Review status: criteria provided, single submitter. Criteria: Ambry Variant Classification Scheme 2023. Collection method: clinical testing. Allele origin: germline.
Comment: The p.H379D variant (also known as c.1135C>G) is located in coding exon 9 of the ENG gene. The histidine at codon 379 is replaced by aspartic acid, an amino acid with similar properties. This change occurs in the first base pair of coding exon 9. This amino acid position is conserved. In addition, this alteration is predicted to be tolerated by in silico analysis. Based on the available evidence, the clinical significance of this variant remains unclear.

Labcorp Genetics (formerly Invitae), Labcorp
Classification: Uncertain significance for Hereditary hemorrhagic telangiectasia. Last evaluated: 2023-06-14. Review status: criteria provided, single submitter. Criteria: Invitae Variant Classification Sherloc (09022015). Collection method: clinical testing. Allele origin: germline.
Comment: This variant has not been reported in the literature in individuals affected with ENG-related conditions. This variant is present in population databases (rs771599199, gnomAD 0.007%). This sequence change replaces histidine, which is basic and polar, with aspartic acid, which is acidic and polar, at codon 379 of the ENG protein (p.His379Asp). In summary, the available evidence is currently insufficient to determine the role of this variant in disease. Therefore, it has been classified as a Variant of Uncertain Significance. An algorithm developed to predict the effect of missense changes on protein structure and function (PolyPhen-2) suggests that this variant is likely to be tolerated. ClinVar contains an entry for this variant (Variation ID: 1310361).

GeneDx
Classification: Uncertain significance. Last evaluated: 2019-12-04. Review status: criteria provided, single submitter. Criteria: GeneDx Variant Classification Process June 2021. Collection method: clinical testing. Allele origin: germline. Affected: yes.
Comment: Not observed at a significant frequency in large population cohorts (Lek et al., 2016); In silico analysis, which includes protein predictors and evolutionary conservation, supports that this variant does not alter protein structure/function; Has not been previously published as pathogenic or benign to our knowledge

Breakthrough Genomics
Classification: Uncertain significance. Review status: criteria provided, single submitter. Criteria: ACMG Guidelines, 2015. Collection method: not provided. Allele origin: germline. Inheritance: Autosomal dominant inheritance. Affected: yes.